The following is an entry in ClinVar:

ClinVar aggregate classification (germline): Uncertain significance (1 of 4 stars; one submission).

gnomAD v4.1: 3 of 1,614,074 alleles (0.00019%); highest among the groups gnomAD compares: South Asian, 0.0033%; no homozygotes.

Submission:

Ambry Genetics
Classification: Uncertain significance. Last evaluated: 2025-03-28. Review status: criteria provided, single submitter. Criteria: Ambry Variant Classification Scheme 2023. Collection method: clinical testing. Allele origin: germline.
Comment: The p.G935E variant (also known as c.2804G>A), located in coding exon 1 of the TET2 gene, results from a G to A substitution at nucleotide position 2804. The glycine at codon 935 is replaced by glutamic acid, an amino acid with similar properties. This amino acid position is conserved. In addition, this alteration is predicted to be tolerated by in silico analysis. Based on the available evidence, the clinical significance of this variant remains unclear.

NM_001127208.3(TET2):c.2804G>A (p.Gly935Glu)

Genes: TET2 (tet methylcytosine dioxygenase 2; plus strand), TET2-AS1 (TET2 antisense RNA 1; minus strand). Cytogenetic location: 4q24.
Variant type: single nucleotide variant.
Coding change: c.2804G>A on transcript NM_001127208.3 (MANE Select); coding-DNA position 2804, G replaced by A.
Protein change: p.Gly935Glu; replaces glycine 935 with glutamic acid.
Molecular consequence: missense variant.
Genome position (GRCh38, 1-based): chr4:105,236,746, G>A. VCF-style: chr4-105236746-G-A. GRCh37 (hg19) VCF-style: chr4-106157903-G-A.
Other names: c.2804G>A, p.Gly935Glu (NM_017628.4); short protein forms G935E.
Identifiers: ClinVar variation 3967499 (VCV003967499.1).